The following is an entry in ClinVar:

ClinVar aggregate classification (germline): Uncertain significance (1 of 4 stars; one submission).

gnomAD v4.1: 10 of 1,204,486 alleles (0.00083%); highest among the groups gnomAD compares: Non-Finnish European, 0.0011%; no homozygotes.

Submission:

Labcorp Genetics (formerly Invitae), Labcorp
Classification: Uncertain significance. Last evaluated: 2025-11-03. Review status: criteria provided, single submitter. Criteria: Invitae Variant Classification Sherloc (09022015). Collection method: clinical testing. Allele origin: germline.
Comment: This sequence change replaces asparagine, which is neutral and polar, with serine, which is neutral and polar, at codon 170 of the ATP6AP1 protein (p.Asn170Ser). This variant is present in population databases (rs146873302, gnomAD 0.001%), including at least one homozygous and/or hemizygous individual. This variant has not been reported in the literature in individuals affected with ATP6AP1-related conditions. Invitae Evidence Modeling of protein sequence and biophysical properties (such as structural, functional, and spatial information, amino acid conservation, physicochemical variation, residue mobility, and thermodynamic stability) indicates that this missense variant is not expected to disrupt ATP6AP1 protein function with a negative predictive value of 80%. In summary, the available evidence is currently insufficient to determine the role of this variant in disease. Therefore, it has been classified as a Variant of Uncertain Significance.

NM_001183.6(ATP6AP1):c.509A>G (p.Asn170Ser)

Gene: ATP6AP1 (ATPase H+ transporting accessory protein 1; plus strand). Cytogenetic location: Xq28.
Variant type: single nucleotide variant.
Coding change: c.509A>G on transcript NM_001183.6 (MANE Select); coding-DNA position 509, A replaced by G.
Protein change: p.Asn170Ser; replaces asparagine 170 with serine.
Molecular consequence: missense variant.
Genome position (GRCh38, 1-based): chrX:154,432,411, A>G. VCF-style: chrX-154432411-A-G. GRCh37 (hg19) VCF-style: chrX-153660757-A-G.
Other names: short protein forms N170S.
Identifiers: ClinVar variation 4696621 (VCV004696621.1).
Genomic context (GRCh38, chrX:154,432,411, plus strand): 5'-AGAAGCTCGGGGCCAGCCCCTTGCATGTGGACCTGGCCACCCTGCGGGAGCTGAAGCTCA[A>G]TGCCAGCCTCCCTGCTCTGCTGCTCATTCGCCTGCCCTACACAGCCAGGTACTGCCCGCA-3'
Protein context (NP_001174.2, residues 160-180): DLATLRELKL[Asn170Ser]ASLPALLLIR